The following is an entry in ClinVar:

NM_000094.4(COL7A1):c.7417G>T (p.Glu2473Ter)

Gene: COL7A1 (collagen type VII alpha 1 chain; minus strand). Cytogenetic location: 3p21.31.
Variant type: single nucleotide variant.
Coding change: c.7417G>T on transcript NM_000094.4 (MANE Select); coding-DNA position 7417, G replaced by T.
Protein change: p.Glu2473Ter; replaces glutamic acid 2473 with a stop codon.
Molecular consequence: nonsense.
Genome position (GRCh38, 1-based): chr3:48,570,298, C>A on the plus strand (G>T on the coding strand, the complement: COL7A1 is on the minus strand). VCF-style: chr3-48570298-C-A. GRCh37 (hg19) VCF-style: chr3-48607731-C-A.
Other names: short protein forms E2473*.
Identifiers: ClinVar variation 2841069 (VCV002841069.3), dbSNP rs199819125, ClinGen allele CA352646219.

ClinVar aggregate classification (germline): Pathogenic (1 of 4 stars; one submission).

Submission:

Labcorp Genetics (formerly Invitae), Labcorp
Classification: Pathogenic. Last evaluated: 2023-02-26. Review status: criteria provided, single submitter. Criteria: Invitae Variant Classification Sherloc (09022015). Collection method: clinical testing. Allele origin: germline.
Comment: This sequence change creates a premature translational stop signal (p.Glu2473*) in the COL7A1 gene. It is expected to result in an absent or disrupted protein product. Loss-of-function variants in COL7A1 are known to be pathogenic (PMID: 16971478). This variant is not present in population databases (gnomAD no frequency). This variant has not been reported in the literature in individuals affected with COL7A1-related conditions. Algorithms developed to predict the effect of sequence changes on RNA splicing suggest that this variant may create or strengthen a splice site. For these reasons, this variant has been classified as Pathogenic.

Literature cited by the submitters: PubMed 16971478.